The following is an entry in ClinVar:

ClinVar aggregate classification (germline): Uncertain significance. Review status: criteria provided, multiple submitters, no conflicts (2 of 4 stars). 2 submissions from 2 submitters: Uncertain significance (2). Last evaluated 2025-07-01.

Conditions:
Myopathy, congenital, progressive, with scoliosis. Also called: CONGENITAL MYOPATHY 19. Identifiers: MedGen C5231417, MONDO:0032821, OMIM 618578.

Allele frequency attached by ClinVar (database versions not stated): gnomAD 0.00047 and 0.00049; ESP Exome Variant Server 0.00062; ExAC 0.00077; 1000 Genomes Project 0.00100; gnomAD exomes 0.00043; TOPMed 0.00049; 1000 Genomes Project 30x 0.00094.
gnomAD v4.1: 941 of 1,610,016 alleles (0.058%); highest among the groups gnomAD compares: Non-Finnish European, 0.072%; no homozygotes.

Submissions (2):

Revvity Omics, Revvity
Classification: Uncertain significance. Last evaluated: 2025-07-01. Review status: criteria provided, single submitter. Criteria: ACMG Guidelines, 2015. Collection method: clinical testing. Allele origin: germline.

Illumina Laboratory Services, Illumina
Classification: Uncertain significance for Myopathy, congenital, progressive, with scoliosis. Last evaluated: 2020-02-06. Review status: criteria provided, single submitter. Criteria: ICSLVariantClassificationCriteria RUGD 01 April 2020. Collection method: clinical testing. Allele origin: unknown.
Comment: The PAX7 c.644G>A (p.Arg215His) variant is a missense variant. A literature search was performed for the gene, cDNA change, and amino acid change. No publications were found based on this search. The Arg215His variant is reported at a frequency of 0.000859 in the Other population of the Genome Aggregation Database. Based on the limited evidence, the p.Arg215His variant is classified as a variant of unknown significance for congenital myopathy with scoliosis.

NM_001135254.2(PAX7):c.644G>A (p.Arg215His)

Gene: PAX7 (paired box 7; plus strand). Cytogenetic location: 1p36.13.
Variant type: single nucleotide variant.
Coding change: c.644G>A on transcript NM_001135254.2 (MANE Select); coding-DNA position 644, G replaced by A.
Protein change: p.Arg215His; replaces arginine 215 with histidine.
Molecular consequence: missense variant.
Genome position (GRCh38, 1-based): chr1:18,691,811, G>A. VCF-style: chr1-18691811-G-A. GRCh37 (hg19) VCF-style: chr1-19018305-G-A.
Other names: c.644G>A, p.Arg215His (NM_002584.3); c.638G>A, p.Arg213His (NM_013945.3); short protein forms R213H, R215H.
Identifiers: ClinVar variation 873482 (VCV000873482.5), dbSNP rs200575057, ClinGen allele CA645744.
Genomic context (GRCh38, chr1:18,691,811, plus strand): 5'-TAGGGAACCGGCTGGACGAGGGCTCGGATGTGGAGTCGGAACCTGACCTCCCACTGAAGC[G>A]CAAGCAGCGACGCAGTCGGACCACATTCACGGCCGAGCAGCTGGAGGAGCTGGAGAAGGC-3'
Protein context (NP_001128726.1, residues 205-225): VESEPDLPLK[Arg215His]KQRRSRTTFT